The following is an entry in ClinVar:

NM_000179.3(MSH6):c.1797A>C (p.Gly599=)

Gene: MSH6 (mutS homolog 6; plus strand). Cytogenetic location: 2p16.3.
Variant type: single nucleotide variant.
Coding change: c.1797A>C on transcript NM_000179.3 (MANE Select); coding-DNA position 1797, A replaced by C.
Protein change: p.Gly599=; no amino-acid change (glycine 599 retained).
Molecular consequence: synonymous variant. On other transcripts: non-coding transcript variant (4), intron variant (2).
Genome position (GRCh38, 1-based): chr2:47,799,780, A>C. VCF-style: chr2-47799780-A-C. GRCh37 (hg19) VCF-style: chr2-48026919-A-C.
Other names: c.1407A>C, p.Gly469= (NM_001281492.2); c.891A>C, p.Gly297= (NM_001281493.2, NM_001281494.2, NM_001406811.1 and 6 more transcripts); c.1893A>C, p.Gly631= (NM_001406795.1, NM_001406802.1); c.1797A>C, p.Gly599= (NM_001406796.1, NM_001406798.1, NM_001406800.1 and 3 more transcripts); c.1500A>C, p.Gly500= (NM_001406797.1, NM_001406801.1, NM_001406805.1 and 10 more transcripts); c.1272A>C, p.Gly424= (NM_001406799.1, NM_001406806.1, NM_001406807.1); c.1719A>C, p.Gly573= (NM_001406804.1); c.1803A>C, p.Gly601= (NM_001406813.1); and 3 more.
Identifiers: ClinVar variation 1780275 (VCV001780275.6), dbSNP rs1279647909, ClinGen allele CA426121144.

ClinVar aggregate classification (germline): Benign/Likely benign. Review status: criteria provided, multiple submitters, no conflicts (2 of 4 stars). 3 submissions from 3 submitters: Benign (1); Likely benign (2). Last evaluated 2024-12-27.

Conditions:
Hereditary nonpolyposis colorectal neoplasms. Identifiers: MedGen C0009405, MeSH D003123.
Hereditary cancer-predisposing syndrome. Also called: Neoplastic Syndromes, Hereditary; Tumor predisposition; Hereditary Cancer Syndrome; Hereditary neoplastic syndrome. Identifiers: Orphanet 140162, MedGen C0027672, MeSH D009386, MONDO:0015356.
Lynch syndrome 5 (LYNCH5). Also called: Colorectal cancer, hereditary nonpolyposis, type 5; Hereditary non-polyposis colorectal cancer, type 5. Identifiers: Orphanet 144, MedGen C1833477, MONDO:0013710, OMIM 614350. Disease mechanism: loss of function.

Submissions (3):

Myriad Genetics, Inc.
Classification: Benign for Lynch syndrome 5. Last evaluated: 2024-12-27. Review status: criteria provided, single submitter. Criteria: Myriad Autosomal Dominant, Autosomal Recessive and X-Linked Classification Criteria (2023). Collection method: clinical testing. Allele origin: unknown.
Comment: This variant is considered benign. This variant is a silent/synonymous amino acid change and it is not expected to impact splicing.

Labcorp Genetics (formerly Invitae), Labcorp
Classification: Likely benign for Hereditary nonpolyposis colorectal neoplasms. Last evaluated: 2023-07-08. Review status: criteria provided, single submitter. Criteria: Invitae Variant Classification Sherloc (09022015). Collection method: clinical testing. Allele origin: germline.

Ambry Genetics
Classification: Likely benign for Hereditary cancer-predisposing syndrome. Last evaluated: 2022-04-25. Review status: criteria provided, single submitter. Criteria: Ambry Variant Classification Scheme 2023. Collection method: clinical testing. Allele origin: germline.